The following is an entry in ClinVar:

NM_030930.4(UNC93B1):c.161G>A (p.Arg54His)

Genes: UNC93B1 (unc-93B1 regulator of TLR signaling; minus strand), LOC130006235 (ATAC-STARR-seq lymphoblastoid silent region 3653; plus strand). Cytogenetic location: 11q13.2.
Variant type: single nucleotide variant.
Coding change: c.161G>A on transcript NM_030930.4 (MANE Select); coding-DNA position 161, G replaced by A.
Protein change: p.Arg54His; replaces arginine 54 with histidine.
Molecular consequence: missense variant.
Genome position (GRCh38, 1-based): chr11:68,003,734, C>T on the plus strand (G>A on the coding strand, the complement: UNC93B1 is on the minus strand). VCF-style: chr11-68003734-C-T. GRCh37 (hg19) VCF-style: chr11-67771204-C-T.
Other names: short protein forms R54H.
Identifiers: ClinVar variation 1912890 (VCV001912890.5), dbSNP rs1857086764, ClinGen allele CA381579176.

ClinVar aggregate classification (germline): Uncertain significance (1 of 4 stars; one submission).

Conditions:
Encephalopathy, acute, infection-induced (herpes-specific), susceptibility to, 1. Also called: Herpes simplex encephalitis, susceptibility to, 1. Identifiers: Orphanet 1930, MedGen C2750180, MONDO:0024563, OMIM 610551.

Allele frequency attached by ClinVar (database versions not stated): TOPMed 0.00001; gnomAD 0.00001.
gnomAD v4.1: 2 of 1,525,800 alleles (0.00013%); highest among the groups gnomAD compares: African/African-American, 0.0014%; no homozygotes.

Submission:

Labcorp Genetics (formerly Invitae), Labcorp
Classification: Uncertain significance for Encephalopathy, acute, infection-induced (herpes-specific), susceptibility to, 1. Last evaluated: 2022-04-19. Review status: criteria provided, single submitter. Criteria: Invitae Variant Classification Sherloc (09022015). Collection method: clinical testing. Allele origin: germline.
Comment: This variant has not been reported in the literature in individuals affected with UNC93B1-related conditions. Experimental studies and prediction algorithms are not available or were not evaluated, and the functional significance of this variant is currently unknown. In summary, the available evidence is currently insufficient to determine the role of this variant in disease. Therefore, it has been classified as a Variant of Uncertain Significance. This variant is not present in population databases (gnomAD no frequency). This sequence change replaces arginine, which is basic and polar, with histidine, which is basic and polar, at codon 54 of the UNC93B1 protein (p.Arg54His).